The following is an entry in ClinVar:

NM_198525.3(KIF7):c.194C>T (p.Ala65Val)

Gene: KIF7 (kinesin family member 7; minus strand). Cytogenetic location: 15q26.1.
Variant type: single nucleotide variant.
Coding change: c.194C>T on transcript NM_198525.3 (MANE Select); coding-DNA position 194, C replaced by T.
Protein change: p.Ala65Val; replaces alanine 65 with valine.
Molecular consequence: missense variant.
Genome position (GRCh38, 1-based): chr15:89,652,737, G>A on the plus strand (C>T on the coding strand, the complement: KIF7 is on the minus strand). VCF-style: chr15-89652737-G-A. GRCh37 (hg19) VCF-style: chr15-90195968-G-A.
Other names: short protein forms A65V.
Identifiers: ClinVar variation 2132955 (VCV002132955.4), dbSNP rs775159552, ClinGen allele CA393780133.

ClinVar aggregate classification (germline): Uncertain significance (1 of 4 stars; one submission).

Conditions:
Acrocallosal syndrome (ACLS). Also called: HALLUX DUPLICATION, POSTAXIAL POLYDACTYLY, AND ABSENCE OF CORPUS CALLOSUM; Schinzel syndrome 1; Absence of corpus callosum with unusual facial appearance, mental deficiency, duplication of the halluces and polydactyly. Identifiers: Orphanet 36, MedGen C0796147, MONDO:0008708, OMIM 200990.

gnomAD v4.1: 1 of 1,551,674 alleles (0.000064%); highest among the groups gnomAD compares: South Asian, 0.0012%; no homozygotes.

Submission:

Labcorp Genetics (formerly Invitae), Labcorp
Classification: Uncertain significance for Acrocallosal syndrome. Last evaluated: 2022-08-31. Review status: criteria provided, single submitter. Criteria: Invitae Variant Classification Sherloc (09022015). Collection method: clinical testing. Allele origin: germline.
Comment: In summary, the available evidence is currently insufficient to determine the role of this variant in disease. Therefore, it has been classified as a Variant of Uncertain Significance. Algorithms developed to predict the effect of missense changes on protein structure and function (SIFT, PolyPhen-2, Align-GVGD) all suggest that this variant is likely to be tolerated. This variant has not been reported in the literature in individuals affected with KIF7-related conditions. This variant is present in population databases (no rsID available, gnomAD 0.004%). This sequence change replaces alanine, which is neutral and non-polar, with valine, which is neutral and non-polar, at codon 65 of the KIF7 protein (p.Ala65Val).